The following is an entry in ClinVar:

NM_000080.4(CHRNE):c.598A>G (p.Thr200Ala)

Genes: CHRNE (cholinergic receptor nicotinic epsilon subunit; minus strand), C17orf107 (chromosome 17 open reading frame 107; plus strand). Cytogenetic location: 17p13.2.
Variant type: single nucleotide variant.
Coding change: c.598A>G on transcript NM_000080.4 (MANE Select); coding-DNA position 598, A replaced by G.
Protein change: p.Thr200Ala; replaces threonine 200 with alanine.
Molecular consequence: missense variant. On other transcripts: 3 prime UTR variant (1).
Genome position (GRCh38, 1-based): chr17:4,901,528, T>C on the plus strand (A>G on the coding strand, the complement: CHRNE is on the minus strand). VCF-style: chr17-4901528-T-C. GRCh37 (hg19) VCF-style: chr17-4804823-T-C.
Other names: c.598A>G (NM_000080.3); c.*995T>C (NM_001145536.2); short protein forms T200A.
Identifiers: ClinVar variation 1024398 (VCV001024398.12), dbSNP rs1336284577, ClinGen allele CA397305759.
Genomic context (GRCh38, chr17:4,901,528, plus strand): 5'-GTCCCCTCTCTGGACCCCGTCTAGAAGCGGGTTTTTCTGAGCAGGCAGGGGCTTCACCAG[T>C]ATAGGCCTCTGTGTCGATGTCGATCTTGTTGATGGTCTTGCCGTCGTTGTCTACGGCAAA-3'
Protein context (NP_000071.1, residues 190-210): NKIDIDTEAY[Thr200Ala]ENGEWAIDFC

ClinVar aggregate classification (germline): Uncertain significance. Review status: criteria provided, multiple submitters, no conflicts (2 of 4 stars). 4 submissions from 4 submitters: Uncertain significance (3). 1 of the submissions does not count toward it. Last evaluated 2025-06-11.

Conditions:
Inborn genetic diseases. Identifiers: MedGen C0950123, MeSH D030342.
Congenital myasthenic syndrome (CMS). Also called: Congenital Myasthenic Syndromes. Identifiers: Orphanet 590, MedGen C0751882, MeSH D020294, MONDO:0018940.
Congenital myasthenic syndrome 4A. Also called: Myasthenic syndrome, congenital, 4a, slow-channel; CONGENITAL MYASTHENIC SYNDROME TYPE Ia1; MYASTHENIC SYNDROME, CONGENITAL, 4A, SLOW-CHANNEL, AUTOSOMAL RECESSIVE. Identifiers: Orphanet 590, MedGen C4225413, MONDO:0011600, OMIM 605809.

Allele frequency attached by ClinVar (database versions not stated): gnomAD exomes 0.00001; TOPMed 0.00002; gnomAD 0.00003 and 0.00004.
gnomAD v4.1: 15 of 1,613,860 alleles (0.00093%); highest among the groups gnomAD compares: African/African-American, 0.016%; no homozygotes.

Submissions (4):

Ambry Genetics
Classification: Uncertain significance for Inborn genetic diseases. Last evaluated: 2025-06-11. Review status: criteria provided, single submitter. Criteria: Ambry Variant Classification Scheme 2023. Collection method: clinical testing. Allele origin: germline.

Labcorp Genetics (formerly Invitae), Labcorp
Classification: Uncertain significance for Congenital myasthenic syndrome 4A. Last evaluated: 2025-01-25. Review status: criteria provided, single submitter. Criteria: Invitae Variant Classification Sherloc (09022015). Collection method: clinical testing. Allele origin: germline.
Comment: This sequence change replaces threonine, which is neutral and polar, with alanine, which is neutral and non-polar, at codon 200 of the CHRNE protein (p.Thr200Ala). This variant is present in population databases (no rsID available, gnomAD 0.02%). This variant has not been reported in the literature in individuals affected with CHRNE-related conditions. ClinVar contains an entry for this variant (Variation ID: 1024398). Invitae Evidence Modeling of protein sequence and biophysical properties (such as structural, functional, and spatial information, amino acid conservation, physicochemical variation, residue mobility, and thermodynamic stability) has been performed for this missense variant. However, the output from this modeling did not meet the statistical confidence thresholds required to predict the impact of this variant on CHRNE protein function. In summary, the available evidence is currently insufficient to determine the role of this variant in disease. Therefore, it has been classified as a Variant of Uncertain Significance.

Revvity Omics, Revvity
Classification: Uncertain significance. Last evaluated: 2024-09-20. Review status: criteria provided, single submitter. Criteria: ACMG Guidelines, 2015. Collection method: clinical testing. Allele origin: germline.

Natera, Inc.
Classification: Uncertain significance for Congenital myasthenic syndrome. Last evaluated: 2020-01-17. Review status: no assertion criteria provided. Collection method: clinical testing. Allele origin: germline. Not counted in ClinVar's aggregate classification.